The following is an entry in ClinVar:

NM_020338.4(ZMIZ1):c.314G>A (p.Arg105His)

Gene: ZMIZ1 (zinc finger MIZ-type containing 1; plus strand). Cytogenetic location: 10q22.3.
Variant type: single nucleotide variant.
Coding change: c.314G>A on transcript NM_020338.4 (MANE Select); coding-DNA position 314, G replaced by A.
Protein change: p.Arg105His; replaces arginine 105 with histidine.
Molecular consequence: missense variant.
Genome position (GRCh38, 1-based): chr10:79,277,214, G>A. VCF-style: chr10-79277214-G-A. GRCh37 (hg19) VCF-style: chr10-81036971-G-A.
Other names: short protein forms R105H.
Identifiers: ClinVar variation 978131 (VCV000978131.5), dbSNP rs1414360518, ClinGen allele CA377415229.

ClinVar aggregate classification (germline): Uncertain significance. Review status: criteria provided, multiple submitters, no conflicts (2 of 4 stars). 3 submissions from 3 submitters: Uncertain significance (2). 1 of the submissions does not count toward it. Last evaluated 2025-11-05.

Conditions:
ZMIZ1-related disorder. Also called: ZMIZ1-related condition.
Neurodevelopmental disorder with dysmorphic facies and distal skeletal anomalies. Identifiers: MedGen C5231448, MONDO:0032855, OMIM 618659.
Inborn genetic diseases. Identifiers: MedGen C0950123, MeSH D030342.

Allele frequency attached by ClinVar (database versions not stated): gnomAD exomes 0.00001.
gnomAD v4.1: 6 of 1,579,920 alleles (0.00038%); highest among the groups gnomAD compares: South Asian, 0.0011%; no homozygotes.

Submissions (3):

Ambry Genetics
Classification: Uncertain significance for Inborn genetic diseases. Last evaluated: 2025-11-05. Review status: criteria provided, single submitter. Criteria: Ambry Variant Classification Scheme 2023. Collection method: clinical testing. Allele origin: germline.

New York Genome Center
Classification: Uncertain significance for Neurodevelopmental disorder with dysmorphic facies and distal skeletal anomalies. Last evaluated: 2021-01-22. Review status: criteria provided, single submitter. Criteria: NYGC Assertion Criteria 2020. Collection method: clinical testing. Allele origin: inherited. Observed: 1 heterozygote. Study: CSER-NYCKidSeq.

PreventionGenetics, part of Exact Sciences
Classification: Uncertain significance for ZMIZ1-related condition. Last evaluated: 2023-11-22. Review status: no assertion criteria provided. Collection method: clinical testing. Allele origin: germline. Not counted in ClinVar's aggregate classification.
Comment: The ZMIZ1 c.314G>A variant is predicted to result in the amino acid substitution p.Arg105His. To our knowledge, this variant has not been reported in the literature. This variant is reported in 0.0036% of alleles in individuals of South Asian descent in gnomAD; however, the quality of this data is questionable and should be treated with caution. This variant did not segregate with disease in one family (Internal data, PreventionGenetics). Although we suspect that this variant may be benign, at this time, the clinical significance of this variant is uncertain due to the absence of conclusive functional and genetic evidence.